The following is an entry in ClinVar:

ClinVar aggregate classification (germline): Likely benign. Review status: criteria provided, multiple submitters, no conflicts (2 of 4 stars). 2 submissions from 2 submitters: Likely benign (2). Last evaluated 2024-11-15.

Conditions:
CEP290-related disorder. Also called: CEP290-related disorders; CEP290-related condition. Identifiers: MedGen CN239314.
Nephronophthisis. Also called: Juvenile Nephronophthisis. Identifiers: Orphanet 655, MedGen C0687120, MONDO:0019005, HP:0000090.
Meckel-Gruber syndrome. Also called: Dysencephalia splachnocystica; DYSENCEPHALIA SPLANCHNOCYSTICA; GRUBER SYNDROME. Identifiers: Orphanet 564, MedGen C0265215, MONDO:0018921.
Joubert syndrome. Also called: JOUBERT-BOLTSHAUSER SYNDROME; Familial aplasia of the vermis. Identifiers: Orphanet 475, MedGen C5979921, MONDO:0018772.

Allele frequency attached by ClinVar (database versions not stated): gnomAD exomes below 0.00001.
gnomAD v4.1: 1 of 1,559,288 alleles (0.000064%); highest among the groups gnomAD compares: East Asian, 0.0023%; no homozygotes.

Submissions (2):

PreventionGenetics, part of Exact Sciences
Classification: Likely benign for CEP290-related condition. Last evaluated: 2024-11-15. Review status: criteria provided, single submitter. Criteria: ACMG Guidelines, 2015. Collection method: clinical testing. Allele origin: germline.
Comment: This variant is classified as likely benign based on ACMG/AMP sequence variant interpretation guidelines (Richards et al. 2015 PMID: 25741868, with internal and published modifications).

Labcorp Genetics (formerly Invitae), Labcorp
Classification: Likely benign for Joubert syndrome; Meckel-Gruber syndrome; Nephronophthisis. Last evaluated: 2023-04-26. Review status: criteria provided, single submitter. Criteria: Invitae Variant Classification Sherloc (09022015). Collection method: clinical testing. Allele origin: germline.

NM_025114.4(CEP290):c.6420A>G (p.Val2140=)

Gene: CEP290 (centrosomal protein 290; minus strand). Cytogenetic location: 12q21.32.
Variant type: single nucleotide variant.
Coding change: c.6420A>G on transcript NM_025114.4 (MANE Select); coding-DNA position 6420, A replaced by G.
Protein change: p.Val2140=; no amino-acid change (valine 2140 retained).
Molecular consequence: synonymous variant.
Genome position (GRCh38, 1-based): chr12:88,060,932, T>C on the plus strand (A>G on the coding strand, the complement: CEP290 is on the minus strand). VCF-style: chr12-88060932-T-C. GRCh37 (hg19) VCF-style: chr12-88454709-T-C.
Other names: c.6420A>G (NM_025114.3).
Identifiers: ClinVar variation 1094663 (VCV001094663.10), dbSNP rs2034432859, ClinGen allele CA481065327.